The following is an entry in ClinVar:

NM_004360.5(CDH1):c.2295+46G>A

Gene: CDH1 (cadherin 1; plus strand). Cytogenetic location: 16q22.1.
Variant type: single nucleotide variant.
Coding change: c.2295+46G>A on transcript NM_004360.5 (MANE Select); 46 bases into the intron after coding-DNA position 2295, G replaced by A.
Molecular consequence: intron variant.
Genome position (GRCh38, 1-based): chr16:68,828,350, G>A. VCF-style: chr16-68828350-G-A. GRCh37 (hg19) VCF-style: chr16-68862253-G-A.
Other names: c.747+46G>A (NM_001317185.2); c.330+46G>A (NM_001317186.2); c.2112+46G>A (NM_001317184.2).
Identifiers: ClinVar variation 2502997 (VCV002502997.3), dbSNP rs771329524, ClinGen allele CA8130246.

ClinVar aggregate classification (germline): Conflicting classifications of pathogenicity. Review status: criteria provided, conflicting classifications (1 of 4 stars). 2 submissions from 2 submitters: Uncertain significance (1); Likely benign (1). Last evaluated 2025-03-04.

Conditions:
Hereditary diffuse gastric adenocarcinoma (HDGC). Also called: DIFFUSE GASTRIC AND LOBULAR BREAST CANCER SYNDROME. Identifiers: Orphanet 26106, MedGen C1708349, MONDO:0007648, OMIM 137215.

Allele frequency attached by ClinVar (database versions not stated): ExAC 0.00001; TOPMed 0.00001; gnomAD 0.00003.
gnomAD v4.1: 76 of 1,606,462 alleles (0.0047%); highest among the groups gnomAD compares: Non-Finnish European, 0.0059%; no homozygotes.

Submissions (2):

Center for Genomic Medicine, Rigshospitalet, Copenhagen University Hospital
Classification: Likely benign. Last evaluated: 2025-03-04. Review status: criteria provided, single submitter. Criteria: ACMG Guidelines, 2015. Collection method: clinical testing. Allele origin: germline.

European Reference Network on Genetic Tumour Risk Syndromes (ERN-GENTURIS), i3s - Instituto de Investigação e Inovação em Saúde, University of Porto
Classification: Uncertain significance for Hereditary diffuse gastric adenocarcinoma. Last evaluated: 2022-08-01. Review status: criteria provided, single submitter. Criteria: Lee et al. (Hum Mutat. 2018). Collection method: clinical testing. Allele origin: germline. Inheritance: Autosomal dominant inheritance. Affected: yes. Study: ERN GENTURIS.
Comment: PS4_Moderate (PMID: 30311375)

Literature cited by the submitters: PubMed 36436516 (cited by European Reference Network on Genetic Tumour Risk Syndromes (ERN-GENTURIS), i3s - Instituto de Investigação e Inovação em Saúde, University of Porto).